The following is an entry in ClinVar:

NM_004370.6(COL12A1):c.6389del (p.Thr2130fs)

Gene: COL12A1 (collagen type XII alpha 1 chain; minus strand). Cytogenetic location: 6q13.
Variant type: Deletion.
Coding change: c.6389del on transcript NM_004370.6 (MANE Select); coding-DNA position 6389, one base deleted (C; older notation c.6389delC).
Protein change: p.Thr2130fs; shifts the reading frame from threonine 2130.
Molecular consequence: frameshift variant.
Genome position (GRCh38, 1-based): chr6:75,126,422, G deleted on the plus strand (C on the coding strand, the reverse complement: COL12A1 is on the minus strand). VCF-style (leftmost placement, unchanged base first): chr6-75126421-TG-T. GRCh37 (hg19) VCF-style: chr6-75836137-TG-T.
Other names: c.6389del, p.Thr2130fs (NM_001424113.1); c.6368del, p.Thr2123fs (NM_001424114.1); c.6116del, p.Thr2039fs (NM_001424115.1); c.2897del, p.Thr966fs (NM_001424116.1, NM_080645.3); short protein forms T2039fs, T2123fs, T2130fs, T966fs.
Identifiers: ClinVar variation 3775341 (VCV003775341.1).

ClinVar aggregate classification (germline): Likely pathogenic (1 of 4 stars; one submission).

Conditions:
Ullrich congenital muscular dystrophy 2 (UCMD2). Identifiers: Orphanet 75840, MedGen C4225314, MONDO:0014654, OMIM 616470.

Submission:

3billion
Classification: Likely pathogenic for Ullrich congenital muscular dystrophy 2. Last evaluated: 2024-03-10. Review status: criteria provided, single submitter. Criteria: ACMG Guidelines, 2015. Collection method: clinical testing. Allele origin: germline. Affected: yes.
Comment: The variant is not observed in the gnomAD v2.1.1 dataset. Predicted Consequence/Location: Frameshift: predicted to result in a loss or disruption of normal protein function through nonsense-mediated decay (NMD) or protein truncation. Multiple pathogenic variants are reported downstream of the variant. Therefore, this variant is classified as Likely pathogenic according to the recommendation of ACMG/AMP guideline.